The following is an entry in ClinVar:

NM_002890.3(RASA1):c.1776+4A>G

Genes: CCNH (cyclin H; minus strand), RASA1 (RAS p21 protein activator 1; plus strand). Cytogenetic location: 5q14.3.
Variant type: single nucleotide variant.
Coding change: c.1776+4A>G on transcript NM_002890.3 (MANE Select); 4 bases into the intron after coding-DNA position 1776, A replaced by G.
Molecular consequence: intron variant.
Genome position (GRCh38, 1-based): chr5:87,372,199, A>G. VCF-style: chr5-87372199-A-G. GRCh37 (hg19) VCF-style: chr5-86668016-A-G.
Other names: c.1245+4A>G (NM_022650.3); c.933+22845T>C (NM_001364075.2).
Identifiers: ClinVar variation 2981981 (VCV002981981.3), dbSNP rs761973636, ClinGen allele CA3335837.
Genomic context (GRCh38, chr5:87,372,199, plus strand): 5'-GCATTTTGCAATTTACGGAAAAGTAGTCCAGGGACATCCAATAAACGCCTTCGTCAGGTG[A>G]AGCTTAATTTTCTTGGATTTTTAATTGTCACATTTTGCTCTAACACTTTGCTCTTTTTAT-3'

ClinVar aggregate classification (germline): Uncertain significance (1 of 4 stars; one submission).

Conditions:
Capillary malformation-arteriovenous malformation syndrome. Also called: Capillary malformation-arteriovenous malformation. Identifiers: Orphanet 137667, MedGen C1842180, MONDO:0012016.

Allele frequency attached by ClinVar (database versions not stated): gnomAD exomes below 0.00001; ExAC 0.00001.
gnomAD v4.1: 1 of 1,612,474 alleles (0.000062%); highest among the groups gnomAD compares: Admixed American, 0.0017%; no homozygotes.

Submission:

Labcorp Genetics (formerly Invitae), Labcorp
Classification: Uncertain significance for Capillary malformation-arteriovenous malformation syndrome. Last evaluated: 2023-01-28. Review status: criteria provided, single submitter. Criteria: Invitae Variant Classification Sherloc (09022015). Collection method: clinical testing. Allele origin: germline.
Comment: In summary, the available evidence is currently insufficient to determine the role of this variant in disease. Therefore, it has been classified as a Variant of Uncertain Significance. Variants that disrupt the consensus splice site are a relatively common cause of aberrant splicing (PMID: 17576681, 9536098). Algorithms developed to predict the effect of sequence changes on RNA splicing suggest that this variant may disrupt the consensus splice site. This variant has not been reported in the literature in individuals affected with RASA1-related conditions. This variant is present in population databases (rs761973636, gnomAD 0.003%). This sequence change falls in intron 13 of the RASA1 gene. It does not directly change the encoded amino acid sequence of the RASA1 protein. It affects a nucleotide within the consensus splice site.

Literature cited by the submitters: PubMed 17576681; PubMed 9536098.